The following is an entry in ClinVar:

NM_020831.6(MRTFA):c.625G>A (p.Val209Ile)

Gene: MRTFA (myocardin related transcription factor A; minus strand). Cytogenetic location: 22q13.1.
Variant type: single nucleotide variant.
Coding change: c.625G>A on transcript NM_020831.6 (MANE Select); coding-DNA position 625, G replaced by A.
Protein change: p.Val209Ile; replaces valine 209 with isoleucine.
Molecular consequence: missense variant.
Genome position (GRCh38, 1-based): chr22:40,424,358, C>T on the plus strand (G>A on the coding strand, the complement: MRTFA is on the minus strand). VCF-style: chr22-40424358-C-T. GRCh37 (hg19) VCF-style: chr22-40820362-C-T.
Other names: c.325G>A, p.Val109Ile (NM_001282660.2); c.625G>A, p.Val209Ile (NM_001282661.3, NM_001282662.3); c.430G>A, p.Val144Ile (NM_001318139.2); short protein forms V144I, V209I, V109I.
Identifiers: ClinVar variation 2799097 (VCV002799097.3), dbSNP rs2517834626, ClinGen allele CA411666273.
Genomic context (GRCh38, chr22:40,424,358, plus strand): 5'-CAGGCTGCTCGGGGGATAAGGCATCGCTGCTGTCCTCATCGAAGGAAGAGCTGTCTGCTA[C>T]TTTGGGATAGTTCACCTGGCCCACTGAAACCCAAAGCTGGTGTGAGATTCCACTTCCAGC-3'
Protein context (NP_065882.2, residues 199-219): IIVGQVNYPK[Val209Ile]ADSSSFDEDS

ClinVar aggregate classification (germline): Uncertain significance (1 of 4 stars; one submission).

Submission:

Labcorp Genetics (formerly Invitae), Labcorp
Classification: Uncertain significance. Last evaluated: 2022-12-31. Review status: criteria provided, single submitter. Criteria: Invitae Variant Classification Sherloc (09022015). Collection method: clinical testing. Allele origin: germline.
Comment: In summary, the available evidence is currently insufficient to determine the role of this variant in disease. Therefore, it has been classified as a Variant of Uncertain Significance. Algorithms developed to predict the effect of missense changes on protein structure and function are either unavailable or do not agree on the potential impact of this missense change (SIFT: "Tolerated"; PolyPhen-2: "Possibly Damaging"; Align-GVGD: "Class C0"). This variant has not been reported in the literature in individuals affected with MKL1-related conditions. This variant is not present in population databases (gnomAD no frequency). This sequence change replaces valine, which is neutral and non-polar, with isoleucine, which is neutral and non-polar, at codon 109 of the MKL1 protein (p.Val109Ile).